The following is an entry in ClinVar:

ClinVar aggregate classification (germline): Conflicting classifications of pathogenicity. Review status: criteria provided, conflicting classifications (1 of 4 stars). 10 submissions from 10 submitters: Uncertain significance (1); Likely benign (6). 3 of the submissions do not count toward it. Last evaluated 2026-09-09.

Conditions:
SLC52A2-related disorder. Also called: SLC52A2-related condition.
Brown-Vialetto-van Laere syndrome 2. Also called: Riboflavin transporter deficiency type 2; SPINOCEREBELLAR ATAXIA WITH BLINDNESS AND DEAFNESS 2. Identifiers: Orphanet 572543, Orphanet 97229, MedGen C3553538, MONDO:0013867, OMIM 614707.
Inborn genetic diseases. Identifiers: MedGen C0950123, MeSH D030342.

Allele frequency attached by ClinVar (database versions not stated): 1000 Genomes Project 30x 0.00031; TOPMed 0.00061; gnomAD 0.00068 and 0.00066; ESP Exome Variant Server 0.00100; 1000 Genomes Project 0.00020.
gnomAD v4.1: 1,095 of 1,604,110 alleles (0.068%); highest among the groups gnomAD compares: Non-Finnish European, 0.082%; no homozygotes.

Submissions (10):

GeneDx
Classification: Uncertain significance. Last evaluated: 2026-09-09. Review status: criteria provided, single submitter. Criteria: GeneDx Variant Classification Process June 2021. Collection method: clinical testing. Allele origin: germline.
Comment: Reported as a heterozygous variant in a patient with early neonatal hypoglycemia and metabolic decompensation in the published literature; however, a second variant in SLC52A2 was not reported (PMID: 38941880); In silico analysis suggests that this missense variant does not alter protein structure/function; This variant is associated with the following publications: (PMID: 38941880)

Labcorp Genetics (formerly Invitae), Labcorp
Classification: Likely benign for Brown-Vialetto-van Laere syndrome 2. Last evaluated: 2026-01-26. Review status: criteria provided, single submitter. Criteria: Invitae Variant Classification Sherloc (09022015). Collection method: clinical testing. Allele origin: germline.

Mayo Clinic Laboratories, Mayo Clinic
Classification: Likely benign. Last evaluated: 2025-12-15. Review status: criteria provided, single submitter. Criteria: ACMG Guidelines, 2015. Collection method: clinical testing. Allele origin: germline. Observed: 11 variant alleles.
Comment: BS1, BP4_moderate

Blueprint Genetics
Classification: Likely benign. Last evaluated: 2024-10-23. Review status: criteria provided, single submitter. Criteria: ACMG Guidelines, 2015. Collection method: clinical testing. Allele origin: germline.

CeGaT Center for Human Genetics Tuebingen
Classification: Likely benign. Last evaluated: 2022-12-01. Review status: criteria provided, single submitter. Criteria: CeGaT Center For Human Genetics Tuebingen Variant Classification Criteria Version 2. Collection method: clinical testing. Allele origin: germline. Affected: yes. Observed: 1 variant allele.
Comment: SLC52A2: BP4

Ambry Genetics
Classification: Likely benign for Inborn genetic diseases. Last evaluated: 2021-11-02. Review status: criteria provided, single submitter. Criteria: Ambry Variant Classification Scheme 2023. Collection method: clinical testing. Allele origin: germline.

Laboratory for Molecular Medicine, Mass General Brigham Personalized Medicine
Classification: Likely benign. Last evaluated: 2020-06-02. Review status: criteria provided, single submitter. Criteria: LMM Criteria. Collection method: clinical testing. Allele origin: germline. Observed: 1 variant allele.
Comment: The p.Val347Met variant in SLC52A2 is classified as likely benign because it has been identified in 0.09% (115/127440) of European chromosomes by gnomAD, and due to a lack of conservation across species. >10 mammals carry a methionine (Met) at this position despite high nearby amino acid conservation. In addition, computational prediction tools predict that this variant does not impact the protein. ACMG/AMP Criteria applied: BP4_Strong, BS1_Supporting.

PreventionGenetics, part of Exact Sciences
Classification: Likely benign for SLC52A2-related condition. Last evaluated: 2023-09-08. Review status: no assertion criteria provided. Collection method: clinical testing. Allele origin: germline. Not counted in ClinVar's aggregate classification.
Comment: This variant is classified as likely benign based on ACMG/AMP sequence variant interpretation guidelines (Richards et al. 2015 PMID: 25741868, with internal and published modifications).

Clinical Genetics DNA and cytogenetics Diagnostics Lab, Erasmus MC, Erasmus Medical Center
Classification: Likely benign. Review status: no assertion criteria provided. Collection method: clinical testing. Allele origin: germline. Affected: yes. Study: VKGL Data-share Consensus. Not counted in ClinVar's aggregate classification.

Genome Diagnostics Laboratory, University Medical Center Utrecht
Classification: Likely benign. Review status: no assertion criteria provided. Collection method: clinical testing. Allele origin: germline. Affected: yes. Study: VKGL Data-share Consensus. Not counted in ClinVar's aggregate classification.

Literature cited by the submitters: PubMed 38941880 (cited by Mayo Clinic Laboratories, Mayo Clinic).

NM_001363118.2(SLC52A2):c.1039G>A (p.Val347Met)

Gene: SLC52A2 (solute carrier family 52 member 2; plus strand). Cytogenetic location: 8q24.3.
Variant type: single nucleotide variant.
Coding change: c.1039G>A on transcript NM_001363118.2 (MANE Select); coding-DNA position 1039, G replaced by A.
Protein change: p.Val347Met; replaces valine 347 with methionine.
Molecular consequence: missense variant. On other transcripts: non-coding transcript variant (1).
Genome position (GRCh38, 1-based): chr8:144,360,627, G>A. VCF-style: chr8-144360627-G-A. GRCh37 (hg19) VCF-style: chr8-145584287-G-A.
Other names: p.Val347Met; c.547G>A, p.Val183Met (NM_001363122.2); c.1039G>A, p.Val347Met (NM_024531.5, NM_001253815.2, NM_001253816.2 and 2 more transcripts); c.1039G>A (NM_001253816.1); short protein forms V347M, V183M.
Identifiers: ClinVar variation 473198 (VCV000473198.54), dbSNP rs145502954, ClinGen allele CA4938356.